The following is an entry in ClinVar:

NM_000081.4(LYST):c.4241A>G (p.Tyr1414Cys)

Gene: LYST (lysosomal trafficking regulator; minus strand). Cytogenetic location: 1q42.3.
Variant type: single nucleotide variant.
Coding change: c.4241A>G on transcript NM_000081.4 (MANE Select); coding-DNA position 4241, A replaced by G.
Protein change: p.Tyr1414Cys; replaces tyrosine 1414 with cysteine.
Molecular consequence: missense variant.
Genome position (GRCh38, 1-based): chr1:235,792,001, T>C on the plus strand (A>G on the coding strand, the complement: LYST is on the minus strand). VCF-style: chr1-235792001-T-C. GRCh37 (hg19) VCF-style: chr1-235955301-T-C.
Other names: c.4241A>G, p.Tyr1414Cys (NM_001301365.1); short protein forms Y1414C.
Identifiers: ClinVar variation 3656329 (VCV003656329.2).

ClinVar aggregate classification (germline): Uncertain significance (1 of 4 stars; one submission).

Conditions:
Chédiak-Higashi syndrome (CHS). Also called: Chediak-Higashi Syndrome. Identifiers: Orphanet 167, MedGen C0007965, MONDO:0008963, OMIM 214500.

gnomAD v4.1: 1 of 1,614,130 alleles (0.000062%); highest among the groups gnomAD compares: Non-Finnish European, 0.000085%; no homozygotes.

Submission:

Labcorp Genetics (formerly Invitae), Labcorp
Classification: Uncertain significance for Chédiak-Higashi syndrome. Last evaluated: 2024-06-12. Review status: criteria provided, single submitter. Criteria: Invitae Variant Classification Sherloc (09022015). Collection method: clinical testing. Allele origin: germline.
Comment: This sequence change replaces tyrosine, which is neutral and polar, with cysteine, which is neutral and slightly polar, at codon 1414 of the LYST protein (p.Tyr1414Cys). This variant is not present in population databases (gnomAD no frequency). This variant has not been reported in the literature in individuals affected with LYST-related conditions. Advanced modeling of protein sequence and biophysical properties (such as structural, functional, and spatial information, amino acid conservation, physicochemical variation, residue mobility, and thermodynamic stability) performed at Invitae indicates that this missense variant is not expected to disrupt LYST protein function with a negative predictive value of 80%. In summary, the available evidence is currently insufficient to determine the role of this variant in disease. Therefore, it has been classified as a Variant of Uncertain Significance.